The following is an entry in ClinVar:

NM_001613.4(ACTA2):c.88A>T (p.Arg30Trp)

Gene: ACTA2 (actin alpha 2, smooth muscle; minus strand). Cytogenetic location: 10q23.31.
Variant type: single nucleotide variant.
Coding change: c.88A>T on transcript NM_001613.4 (MANE Select); coding-DNA position 88, A replaced by T.
Protein change: p.Arg30Trp; replaces arginine 30 with tryptophan.
Molecular consequence: missense variant.
Genome position (GRCh38, 1-based): chr10:88,948,843, T>A on the plus strand (A>T on the coding strand, the complement: ACTA2 is on the minus strand). VCF-style: chr10-88948843-T-A. GRCh37 (hg19) VCF-style: chr10-90708600-T-A.
Other names: c.88A>T, p.Arg30Trp (NM_001141945.3, NM_001320855.2, NM_001406462.1 and 7 more transcripts); short protein forms R30W.
Identifiers: ClinVar variation 570156 (VCV000570156.10), dbSNP rs1564647905, ClinGen allele CA377513666.
Genomic context (GRCh38, chr10:88,948,843, plus strand): 5'-CAATCATAATTTTCCTCACCTGATGTCTGGGACGTCCCACAATGGATGGGAAAACAGCCC[T>A]GGGAGCATCGTCCCCAGCAAAGCCGGCCTTACAGAGCCCAGAGCCATTGTCACACACCAA-3'
Protein context (NP_001604.1, residues 20-40): KAGFAGDDAP[Arg30Trp]AVFPSIVGRP

ClinVar aggregate classification (germline): Uncertain significance (1 of 4 stars; one submission).

Conditions:
Aortic aneurysm, familial thoracic 6 (AAT6). Also called: FAMILIAL THORACIC AORTIC ANEURYSM WITH LIVEDO RETICULARIS AND IRIS FLOCCULI. Identifiers: MedGen C2673186, MONDO:0012730, OMIM 611788.

Submission:

Labcorp Genetics (formerly Invitae), Labcorp
Classification: Uncertain significance for Aortic aneurysm, familial thoracic 6. Last evaluated: 2018-05-18. Review status: criteria provided, single submitter. Criteria: Invitae Variant Classification Sherloc (09022015). Collection method: clinical testing. Allele origin: germline.
Comment: Algorithms developed to predict the effect of missense changes on protein structure and function are either unavailable or do not agree on the potential impact of this missense change (SIFT: "Deleterious"; PolyPhen-2: "Benign"; Align-GVGD: "Class C65"). This variant has not been reported in the literature in individuals with ACTA2-related disease. This variant is not present in population databases (ExAC no frequency). This sequence change replaces arginine with tryptophan at codon 30 of the ACTA2 protein (p.Arg30Trp). The arginine residue is highly conserved and there is a moderate physicochemical difference between arginine and tryptophan. In summary, the available evidence is currently insufficient to determine the role of this variant in disease. Therefore, it has been classified as a Variant of Uncertain Significance.